The following is an entry in ClinVar:

ClinVar aggregate classification (germline): Uncertain significance. Review status: criteria provided, multiple submitters, no conflicts (2 of 4 stars). 3 submissions from 3 submitters: Uncertain significance (3). Last evaluated 2026-06-15.

Conditions:
COL4A1-related disorder. Also called: COL4A1-related condition; COL4A1-related disorders. Identifiers: MedGen CN376119, MONDO:0800461.

Allele frequency attached by ClinVar (database versions not stated): gnomAD 0.00001; gnomAD exomes 0.00001; TOPMed 0.00001.
gnomAD v4.1: 15 of 1,612,618 alleles (0.00093%); highest among the groups gnomAD compares: Admixed American, 0.013%; no homozygotes.

Submissions (3):

PreventionGenetics, part of Exact Sciences
Classification: Uncertain significance for COL4A1-related condition. Last evaluated: 2026-06-15. Review status: criteria provided, single submitter. Criteria: ACMG Guidelines, 2015. Collection method: clinical testing. Allele origin: germline.
Comment: The COL4A1 c.1997G>A variant is predicted to result in the amino acid substitution p.Arg666Gln. To our knowledge, this variant has not been reported in the literature. This variant is reported in 0.0029% of alleles in individuals of Latino descent in gnomAD. At this time, the clinical significance of this variant is uncertain due to the absence of conclusive functional and genetic evidence.

GeneDx
Classification: Uncertain significance. Last evaluated: 2025-06-03. Review status: criteria provided, single submitter. Criteria: GeneDx Variant Classification Process June 2021. Collection method: clinical testing. Allele origin: germline. Affected: yes.
Comment: In silico analysis suggests that this missense variant does not alter protein structure/function; Occurs in the triple helical domain at the Y position in the canonical Gly-X-Y repeat; although this variant may have an effect on normal protein folding and function, missense substitution at the Y position is not a common mechanism of disease; Has not been previously published as pathogenic or benign to our knowledge

Labcorp Genetics (formerly Invitae), Labcorp
Classification: Uncertain significance. Last evaluated: 2025-01-15. Review status: criteria provided, single submitter. Criteria: Invitae Variant Classification Sherloc (09022015). Collection method: clinical testing. Allele origin: germline.
Comment: This sequence change replaces arginine, which is basic and polar, with glutamine, which is neutral and polar, at codon 666 of the COL4A1 protein (p.Arg666Gln). This variant is present in population databases (no rsID available, gnomAD 0.003%). This variant has not been reported in the literature in individuals affected with COL4A1-related conditions. ClinVar contains an entry for this variant (Variation ID: 2185589). Invitae Evidence Modeling of protein sequence and biophysical properties (such as structural, functional, and spatial information, amino acid conservation, physicochemical variation, residue mobility, and thermodynamic stability) indicates that this missense variant is not expected to disrupt COL4A1 protein function with a negative predictive value of 95%. In summary, the available evidence is currently insufficient to determine the role of this variant in disease. Therefore, it has been classified as a Variant of Uncertain Significance.

NM_001845.6(COL4A1):c.1997G>A (p.Arg666Gln)

Gene: COL4A1 (collagen type IV alpha 1 chain; minus strand). Cytogenetic location: 13q34.
Variant type: single nucleotide variant.
Coding change: c.1997G>A on transcript NM_001845.6 (MANE Select); coding-DNA position 1997, G replaced by A.
Protein change: p.Arg666Gln; replaces arginine 666 with glutamine.
Molecular consequence: missense variant.
Genome position (GRCh38, 1-based): chr13:110,183,091, C>T on the plus strand (G>A on the coding strand, the complement: COL4A1 is on the minus strand). VCF-style: chr13-110183091-C-T. GRCh37 (hg19) VCF-style: chr13-110835438-C-T.
Other names: c.1997G>A (NM_001845.5, NM_001845.4); short protein forms R666Q.
Identifiers: ClinVar variation 2185589 (VCV002185589.5), dbSNP rs988704098, ClinGen allele CA256262326.